The following is an entry in ClinVar:

ClinVar aggregate classification (germline): Uncertain significance. Review status: criteria provided, multiple submitters, no conflicts (2 of 4 stars). 3 submissions from 3 submitters: Uncertain significance (3). Last evaluated 2026-06-27.

Conditions:
Cardiovascular phenotype. Identifiers: MedGen CN230736.
Cardiomyopathy (CMYO). Also called: Cardiomyopathies. Identifiers: Orphanet 167848, MedGen C0878544, MONDO:0004994, HP:0001638. Inheritance: Various modes of inheritance.

Allele frequency attached by ClinVar (database versions not stated): ExAC 0.00001.
gnomAD v4.1: 2 of 1,613,892 alleles (0.00012%); highest among the groups gnomAD compares: Non-Finnish European, 0.00017%; no homozygotes.

Submissions (3):

Ambry Genetics
Classification: Uncertain significance for Cardiovascular phenotype. Last evaluated: 2026-06-27. Review status: criteria provided, single submitter. Criteria: Ambry Variant Classification Scheme 2023. Collection method: clinical testing. Allele origin: germline.
Comment: The p.L1322I variant (also known as c.3964C>A), located in coding exon 31 of the RYR2 gene, results from a C to A substitution at nucleotide position 3964. The leucine at codon 1322 is replaced by isoleucine, an amino acid with highly similar properties. This amino acid position is conserved. In addition, this alteration is predicted to be tolerated by in silico analysis. Based on the available evidence, the clinical significance of this variant remains unclear.

Color Diagnostics, LLC DBA Color Health
Classification: Uncertain significance for Cardiomyopathy. Last evaluated: 2025-05-30. Review status: criteria provided, single submitter. Criteria: ACMG Guidelines, 2015. Collection method: clinical testing. Allele origin: germline.
Comment: This missense variant replaces leucine with isoleucine at codon 1322 of the RYR2 protein. Computational prediction suggests that this variant may not impact protein structure and function. To our knowledge, functional studies have not been reported for this variant. This variant has not been reported in individuals affected with RYR2-related disorders in the literature. This variant has been identified in 1/248952 chromosomes in the general population by the Genome Aggregation Database (gnomAD). The available evidence is insufficient to determine the role of this variant in disease conclusively. Therefore, this variant is classified as a Variant of Uncertain Significance.

GeneDx
Classification: Uncertain significance. Last evaluated: 2018-03-07. Review status: criteria provided, single submitter. Criteria: GeneDx Variant Classification (06012015). Collection method: clinical testing. Allele origin: germline. Affected: yes.
Comment: The L1322I variant of uncertain significance in the RYR2 gene has not been published as pathogenic or been reported as benign to our knowledge. The L1322I variant is not observed at a significant frequency in large population cohorts (Lek et al., 2016). Nevertheless, the L1322I variant is a conservative amino acid substitution, which is not likely to impact secondary protein structure as these residues share similar properties. Additionally, in-silico analyses, including protein predictors and evolutionary conservation, support that this variant does not alter protein structure/function.

NM_001035.3(RYR2):c.3964C>A (p.Leu1322Ile)

Genes: RYR2 (ryanodine receptor 2; plus strand), LOC126806067 (BRD4-independent group 4 enhancer GRCh37_chr1:237753258-237754457; plus strand). Cytogenetic location: 1q43.
Variant type: single nucleotide variant.
Coding change: c.3964C>A on transcript NM_001035.3 (MANE Select); coding-DNA position 3964, C replaced by A.
Protein change: p.Leu1322Ile; replaces leucine 1322 with isoleucine.
Molecular consequence: missense variant.
Genome position (GRCh38, 1-based): chr1:237,590,796, C>A. VCF-style: chr1-237590796-C-A. GRCh37 (hg19) VCF-style: chr1-237754096-C-A.
Other names: p.L1322I:CTC>ATC; c.3964C>A, p.Leu1322Ile (LRG_402t1); short protein forms L1322I.
Identifiers: ClinVar variation 201169 (VCV000201169.4), dbSNP rs770433289, ClinGen allele CA009421.